The following is an entry in ClinVar:

NM_173728.4(ARHGEF15):c.1704+11_1704+12inv

Gene: ARHGEF15 (Rho guanine nucleotide exchange factor 15; plus strand). Cytogenetic location: 17p13.1.
Variant type: Inversion.
Coding change: c.1704+11_1704+12inv on transcript NM_173728.4 (MANE Select).
Molecular consequence: intron variant.
Genome position: GRCh38 VCF-style: chr17-8316159-CA-TG. GRCh37 (hg19) VCF-style: chr17-8219477-CA-TG.
Other names: c.1704+11_1704+12inv (NM_025014.2).
Identifiers: ClinVar variation 4773158 (VCV004773158.1).
Genomic context (GRCh38, chr17:8,316,159, plus strand): 5'-TCCTGCTACTGCCCTTCCAGCGCATCACCCGGCTGCGCATGCTGCTGCAGGTACCTGTCC[CA>TG]GCTGCGGCCGTTTCTGCCCCACCAACCCCATCGGAGAACTCTCCCGAGGGCTTCTTGGCC-3'

ClinVar aggregate classification (germline): Uncertain significance (1 of 4 stars; one submission).

Conditions:
Early-infantile DEE. Also called: Early infantile epileptic encephalopathy with suppression bursts; Early infantile epileptic encephalopathy; Ohtahara syndrome. Identifiers: Orphanet 1934, MedGen C0393706, MONDO:0800491.

Submission:

Labcorp Genetics (formerly Invitae), Labcorp
Classification: Uncertain significance for Early-infantile DEE. Last evaluated: 2025-09-14. Review status: criteria provided, single submitter. Criteria: Invitae Variant Classification Sherloc (09022015). Collection method: clinical testing. Allele origin: germline.
Comment: This sequence change falls in intron 9 of the ARHGEF15 gene. It does not directly change the encoded amino acid sequence of the ARHGEF15 protein. Information on the frequency of this variant in the gnomAD database is not available, as this variant may be reported differently in the database. This variant has not been reported in the literature in individuals affected with ARHGEF15-related conditions. Experimental studies and prediction algorithms are not available or were not evaluated, and the effect of this variant on mRNA splicing is currently unknown. In summary, the available evidence is currently insufficient to determine the role of this variant in disease. Therefore, it has been classified as a Variant of Uncertain Significance.